The following is an entry in ClinVar:

NM_025092.5(PGGHG):c.681G>A (p.Leu227=)

Gene: PGGHG (protein-glucosylgalactosylhydroxylysine glucosidase; plus strand). Cytogenetic location: 11p15.5.
Variant type: single nucleotide variant.
Coding change: c.681G>A on transcript NM_025092.5 (MANE Select); coding-DNA position 681, G replaced by A.
Protein change: p.Leu227=; no amino-acid change (leucine 227 retained).
Molecular consequence: synonymous variant.
Genome position (GRCh38, 1-based): chr11:290,888, G>A. VCF-style: chr11-290888-G-A. GRCh37 (hg19) VCF-style: chr11-290888-G-A.
Identifiers: ClinVar variation 3341523 (VCV003341523.16).

ClinVar aggregate classification (germline): Likely benign (1 of 4 stars; one submission).

gnomAD v4.1: 10,675 of 1,611,932 alleles (0.66%); highest among the groups gnomAD compares: Middle Eastern, 2%; 66 homozygotes.

Submission:

CeGaT Center for Human Genetics Tuebingen
Classification: Likely benign. Last evaluated: 2024-02-01. Review status: criteria provided, single submitter. Criteria: CeGaT Center For Human Genetics Tuebingen Variant Classification Criteria Version 2. Collection method: clinical testing. Allele origin: germline. Affected: yes. Observed: 1 variant allele.
Comment: PGGHG: BP4, BP7, BS2